The following is an entry in ClinVar:

ClinVar aggregate classification (germline): Uncertain significance (1 of 4 stars; one submission).

gnomAD v4.1: 6 of 1,614,106 alleles (0.00037%); highest among the groups gnomAD compares: Non-Finnish European, 0.00051%; no homozygotes.

Submission:

Dasa
Classification: Uncertain significance. Last evaluated: 2026-04-30. Review status: criteria provided, single submitter. Criteria: DASA Assertion Criteria. Collection method: clinical testing. Allele origin: germline.
Comment: NM_014780.5(CUL7):c.3824G>A (p.Arg1275His) is a missense variant that results in the substitution of arginine with histidine. This variant is rare in population databases. Computational prediction algorithms are consistent with a deleterious effect. The currently available literature and clinical evidence are not sufficient to establish a definitive association between this variant and the reported condition. Therefore, this variant is classified as a variant of uncertain significance.

NM_014780.5(CUL7):c.3824G>A (p.Arg1275His)

Gene: CUL7 (cullin 7; minus strand). Cytogenetic location: 6p21.1.
Variant type: single nucleotide variant.
Coding change: c.3824G>A on transcript NM_014780.5 (MANE Select); coding-DNA position 3824, G replaced by A.
Protein change: p.Arg1275His; replaces arginine 1275 with histidine.
Molecular consequence: missense variant.
Genome position (GRCh38, 1-based): chr6:43,040,729, C>T on the plus strand (G>A on the coding strand, the complement: CUL7 is on the minus strand). VCF-style: chr6-43040729-C-T. GRCh37 (hg19) VCF-style: chr6-43008467-C-T.
Other names: c.3920G>A, p.Arg1307His (NM_001168370.2, NM_001374872.1); c.3824G>A, p.Arg1275His (NM_001374873.1); c.3821G>A, p.Arg1274His (NM_001374874.1); short protein forms R1274H, R1275H, R1307H.
Identifiers: ClinVar variation 5020649 (VCV005020649.1).
Genomic context (GRCh38, chr6:43,040,729, plus strand): 5'-CAGGGACCGATCTGCTCCAGCACGGCCCCCTCCAGCCAGCTCGAGACCACGCCCAGGAGA[C>T]GGTCCGCCATGTAGTGCCTGCAGTGCATGCAGCCCGGGCCAAGCCTCAGTGTGGGCACCA-3'
Protein context (NP_055595.2, residues 1265-1285): EHYYQHYMAD[Arg1275His]LLGVVSSWLE